The following is an entry in ClinVar:

ClinVar aggregate classification (germline): Likely pathogenic (1 of 4 stars; one submission).

Conditions:
ADGRL1-related condition.

Submission:

PreventionGenetics, part of Exact Sciences
Classification: Likely pathogenic for ADGRL1-related condition. Last evaluated: 2026-07-29. Review status: criteria provided, single submitter. Criteria: ACMG Guidelines, 2015. Collection method: clinical testing. Allele origin: germline.
Comment: The ADGRL1 c.2125C>T variant is predicted to result in premature protein termination (p.Gln709*). To our knowledge, this variant has not been reported in the literature or in a large population database (gnomAD), indicating this variant is rare. Nonsense variants in ADGRL1 are expected to be pathogenic. This variant is interpreted as likely pathogenic.

NM_014921.5(ADGRL1):c.2110C>T (p.Gln704Ter)

Genes: ADGRL1-AS1 (ADGRL1 antisense RNA 1; plus strand), ADGRL1 (adhesion G protein-coupled receptor L1; minus strand). Cytogenetic location: 19p13.12.
Variant type: single nucleotide variant.
Coding change: c.2110C>T on transcript NM_014921.5 (MANE Select); coding-DNA position 2110, C replaced by T.
Protein change: p.Gln704Ter; replaces glutamine 704 with a stop codon.
Molecular consequence: nonsense.
Genome position (GRCh38, 1-based): chr19:14,159,129, G>A on the plus strand (C>T on the coding strand, the complement: ADGRL1 is on the minus strand). VCF-style: chr19-14159129-G-A. GRCh37 (hg19) VCF-style: chr19-14269941-G-A.
Other names: c.2125C>T, p.Gln709Ter (NM_001008701.3); short protein forms Q704*, Q709*.
Identifiers: ClinVar variation 5001175 (VCV005001175.1).